The following is an entry in ClinVar:

ClinVar aggregate classification (germline): Uncertain significance. Review status: criteria provided, multiple submitters, no conflicts (2 of 4 stars). 2 submissions from 2 submitters: Uncertain significance (2). Last evaluated 2025-08-27.

Conditions:
Inborn genetic diseases. Identifiers: MedGen C0950123, MeSH D030342.

Allele frequency attached by ClinVar (database versions not stated): ExAC 0.00001; gnomAD 0.00001; TOPMed 0.00002.
gnomAD v4.1: 11 of 1,614,080 alleles (0.00068%); highest among the groups gnomAD compares: African/African-American, 0.008%; no homozygotes.

Submissions (2):

Ambry Genetics
Classification: Uncertain significance for Inborn genetic diseases. Last evaluated: 2025-08-27. Review status: criteria provided, single submitter. Criteria: Ambry Variant Classification Scheme 2023. Collection method: clinical testing. Allele origin: germline.

Labcorp Genetics (formerly Invitae), Labcorp
Classification: Uncertain significance. Last evaluated: 2023-08-02. Review status: criteria provided, single submitter. Criteria: Invitae Variant Classification Sherloc (09022015). Collection method: clinical testing. Allele origin: germline.
Comment: An algorithm developed to predict the effect of missense changes on protein structure and function (PolyPhen-2) suggests that this variant is likely to be tolerated. In summary, the available evidence is currently insufficient to determine the role of this variant in disease. Therefore, it has been classified as a Variant of Uncertain Significance. This variant has not been reported in the literature in individuals affected with TTBK2-related conditions. This variant is present in population databases (rs775362114, gnomAD 0.004%). This sequence change replaces arginine, which is basic and polar, with histidine, which is basic and polar, at codon 427 of the TTBK2 protein (p.Arg427His).

NM_173500.4(TTBK2):c.1280G>A (p.Arg427His)

Gene: TTBK2 (tau tubulin kinase 2; minus strand). Cytogenetic location: 15q15.2.
Variant type: single nucleotide variant.
Coding change: c.1280G>A on transcript NM_173500.4 (MANE Select); coding-DNA position 1280, G replaced by A.
Protein change: p.Arg427His; replaces arginine 427 with histidine.
Molecular consequence: missense variant.
Genome position (GRCh38, 1-based): chr15:42,777,160, C>T on the plus strand (G>A on the coding strand, the complement: TTBK2 is on the minus strand). VCF-style: chr15-42777160-C-T. GRCh37 (hg19) VCF-style: chr15-43069358-C-T.
Other names: short protein forms R427H.
Identifiers: ClinVar variation 2981204 (VCV002981204.4), dbSNP rs775362114, ClinGen allele CA7516920.